The following is an entry in ClinVar:

NC_000005.10:g.(?_112737024)_(112844132_?)del

Gene: APC (APC regulator of Wnt signaling pathway; plus strand). Cytogenetic location: 5q22.2.
Variant type: Deletion.
Identifiers: ClinVar variation 469687 (VCV000469687.1).

ClinVar aggregate classification (germline): Pathogenic (1 of 4 stars; one submission).

Conditions:
Familial adenomatous polyposis 1 (FAP1). Also called: POLYPOSIS, ADENOMATOUS INTESTINAL; FAMILIAL ADENOMATOUS POLYPOSIS 1, ATTENUATED. Identifiers: MedGen C2713442, MONDO:0021056, OMIM 175100. Disease mechanism: loss of function.

Submission:

Labcorp Genetics (formerly Invitae), Labcorp
Classification: Pathogenic for Familial adenomatous polyposis 1. Last evaluated: 2017-05-30. Review status: criteria provided, single submitter. Criteria: Invitae Variant Classification Sherloc (09022015). Collection method: clinical testing. Allele origin: germline.
Comment: A gross deletion of the genomic region encompassing promoter 1A and the full coding sequence of the APC gene has been identified. The boundaries of this event are unknown as the deletion extends beyond the assayed region for this gene and therefore may encompass additional genes. Gross deletions of APC, including the promoter 1A region, have been reported in individuals affected with familial adenomatous polyposis, including 2 cases that were reported as de novo; however, paternity was not confirmed (PMID: 21643010, 18487285). Loss-of-function variants in APC are known to be pathogenic (PMID: 20685668, 17963004). For these reasons, this variant has been classified as Pathogenic.